The following is an entry in ClinVar:

ClinVar aggregate classification (germline): Uncertain significance (1 of 4 stars; one submission).

Conditions:
3-methylglutaconic aciduria with deafness, encephalopathy, and Leigh-like syndrome (MEGDEL). Also called: SERAC1 Deficiency; MEGDEL syndrome; 3-METHYLGLUTACONIC ACIDURIA, TYPE VI. Identifiers: Orphanet 352328, MedGen C4040739, MONDO:0013875, OMIM 614739.

Submission:

Labcorp Genetics (formerly Invitae), Labcorp
Classification: Uncertain significance for 3-methylglutaconic aciduria with deafness, encephalopathy, and Leigh-like syndrome. Last evaluated: 2024-10-03. Review status: criteria provided, single submitter. Criteria: Invitae Variant Classification Sherloc (09022015). Collection method: clinical testing. Allele origin: germline.
Comment: This sequence change disrupts the translational stop signal of the SERAC1 mRNA. It is expected to extend the length of the SERAC1 protein by 22 additional amino acid residues. This variant is not present in population databases (gnomAD no frequency). This variant has not been reported in the literature in individuals affected with SERAC1-related conditions. Experimental studies and prediction algorithms are not available or were not evaluated, and the functional significance of this variant is currently unknown. In summary, the available evidence is currently insufficient to determine the role of this variant in disease. Therefore, it has been classified as a Variant of Uncertain Significance.

NM_032861.4(SERAC1):c.1963_*1del (p.Ter655SerextTer?)

Gene: SERAC1 (serine active site containing 1; minus strand). Cytogenetic location: 6q25.3.
Variant type: Deletion.
Coding change: c.1963_*1del on transcript NM_032861.4 (MANE Select); coding-DNA position 1963 through 1 bases downstream of the stop codon, 4 bases deleted (TAAC; older notation c.1963_*1delTAAC).
Protein change: p.Ter655SerextTer?.
Molecular consequence: frameshift variant, stop lost.
Genome position (GRCh38, 1-based): chr6:158,111,365-158,111,368, GTTA deleted on the plus strand (TAAC on the coding strand, the reverse complement: SERAC1 is on the minus strand); deleting any 4 consecutive bases within chr6:158,111,365-158,111,371 gives the same sequence; the c. name uses the placement nearest the transcript's 3' end. VCF-style (leftmost placement, unchanged base first): chr6-158111364-TGTTA-T. GRCh37 (hg19) VCF-style: chr6-158532396-TGTTA-T.
Identifiers: ClinVar variation 3000029 (VCV003000029.3), dbSNP rs2483450149, ClinGen allele CA2740091537.